The following is an entry in ClinVar:

NM_018078.4(LARP1B):c.1324G>T (p.Asp442Tyr)

Gene: LARP1B (La ribonucleoprotein 1B; plus strand). Cytogenetic location: 4q28.2.
Variant type: single nucleotide variant.
Coding change: c.1324G>T on transcript NM_018078.4 (MANE Select); coding-DNA position 1324, G replaced by T.
Protein change: p.Asp442Tyr; replaces aspartic acid 442 with tyrosine.
Molecular consequence: missense variant. On other transcripts: non-coding transcript variant (1).
Genome position (GRCh38, 1-based): chr4:128,121,988, G>T. VCF-style: chr4-128121988-G-T. GRCh37 (hg19) VCF-style: chr4-129043143-G-T.
Other names: c.601G>T, p.Asp201Tyr (NM_001350531.2); c.1324G>T, p.Asp442Tyr (NM_178043.3); short protein forms D442Y, D201Y.
Identifiers: ClinVar variation 161836 (VCV000161836.2), dbSNP rs193920764, ClinGen allele CA174878.

ClinVar aggregate classification (germline): Uncertain significance (0 of 4 stars; one submission).

Conditions:
Prostate cancer. Also called: Malignant tumor of prostate. Identifiers: Orphanet 1331, MedGen C0376358, MONDO:0008315, HP:0012125.

Submission:

Science for Life laboratory,  Karolinska Institutet
Classification: Uncertain significance for Malignant tumor of prostate. Review status: no assertion criteria provided. Collection method: not provided. Allele origin: somatic.
Comment: TumorID:SWE-1
ClinVar note: Converted during submission from Unknown to Uncertain significance.